The following is an entry in ClinVar:

NM_001199107.2(TBC1D24):c.1238G>A (p.Ser413Asn)

Gene: TBC1D24 (TBC1 domain family member 24; plus strand). Cytogenetic location: 16p13.3.
Variant type: single nucleotide variant.
Coding change: c.1238G>A on transcript NM_001199107.2 (MANE Select); coding-DNA position 1238, G replaced by A.
Protein change: p.Ser413Asn; replaces serine 413 with asparagine.
Molecular consequence: missense variant.
Genome position (GRCh38, 1-based): chr16:2,499,866, G>A. VCF-style: chr16-2499866-G-A. GRCh37 (hg19) VCF-style: chr16-2549867-G-A.
Other names: c.1220G>A, p.Ser407Asn (NM_020705.3); short protein forms S407N, S413N.
Identifiers: ClinVar variation 940624 (VCV000940624.2), dbSNP rs2065776034, ClinGen allele CA394380160.

ClinVar aggregate classification (germline): Uncertain significance. Review status: criteria provided, multiple submitters, no conflicts (2 of 4 stars). 2 submissions from 2 submitters: Uncertain significance (2). Last evaluated 2026-04-27.

Conditions:
TBC1D24-related disorder. Also called: TBC1D24-related condition; TBC1D24-related disorders. Identifiers: MedGen CN381194.
Autosomal dominant nonsyndromic hearing loss 65. Also called: TBC1D24-Related Autosomal Dominant Nonsyndromic Hearing Loss (DFNA); Deafness, autosomal dominant 65. Identifiers: Orphanet 90635, MedGen C3892048, MONDO:0014470, OMIM 616044.
Caused by mutation in the TBC1 domain family, member 24.
Developmental and epileptic encephalopathy, 1 (DEE1). Also called: Epileptic encephalopathy, early infantile, 1; X-linked infantile spasms; West's syndrome; Tonic spasms with clustering, arrest of psychomotor development and hypsarrhythmia on EEG; X-Linked Infantile Spasm Syndrome; OHTAHARA SYNDROME, X-LINKED. Identifiers: MedGen C3463992, MONDO:0010632, OMIM 308350. Disease mechanism: loss of function.

Allele frequency attached by ClinVar (database versions not stated): gnomAD exomes 0.00001.

Submissions (2):

PreventionGenetics, part of Exact Sciences
Classification: Uncertain significance for TBC1D24-related condition. Last evaluated: 2026-04-27. Review status: criteria provided, single submitter. Criteria: ACMG Guidelines, 2015. Collection method: clinical testing. Allele origin: germline.
Comment: The TBC1D24 c.1238G>A variant is predicted to result in the amino acid substitution p.Ser413Asn. To our knowledge, this variant has not been reported in the literature or in a large population database (gnomAD), indicating this variant is rare. At this time, the clinical significance of this variant is uncertain due to the absence of conclusive functional and genetic evidence.

Labcorp Genetics (formerly Invitae), Labcorp
Classification: Uncertain significance for Caused by mutation in the TBC1 domain family, member 24; Epileptic encephalopathy, early infantile, 1; Autosomal dominant nonsyndromic hearing loss 65. Last evaluated: 2019-08-23. Review status: criteria provided, single submitter. Criteria: Invitae Variant Classification Sherloc (09022015). Collection method: clinical testing. Allele origin: germline.
Comment: This sequence change replaces serine with asparagine at codon 413 of the TBC1D24 protein (p.Ser413Asn). The serine residue is highly conserved and there is a small physicochemical difference between serine and asparagine. This variant is not present in population databases (ExAC no frequency). This variant has not been reported in the literature in individuals with TBC1D24-related conditions. Algorithms developed to predict the effect of missense changes on protein structure and function (SIFT, PolyPhen-2, Align-GVGD) all suggest that this variant is likely to be tolerated, but these predictions have not been confirmed by published functional studies and their clinical significance is uncertain. In summary, the available evidence is currently insufficient to determine the role of this variant in disease. Therefore, it has been classified as a Variant of Uncertain Significance.